The following is an entry in ClinVar:

NM_001134363.3(RBM20):c.559C>G (p.Pro187Ala)

Gene: RBM20 (RNA binding motif protein 20; plus strand). Cytogenetic location: 10q25.2.
Variant type: single nucleotide variant.
Coding change: c.559C>G on transcript NM_001134363.3 (MANE Select); coding-DNA position 559, C replaced by G.
Protein change: p.Pro187Ala; replaces proline 187 with alanine.
Molecular consequence: missense variant.
Genome position (GRCh38, 1-based): chr10:110,781,168, C>G. VCF-style: chr10-110781168-C-G. GRCh37 (hg19) VCF-style: chr10-112540926-C-G.
Other names: short protein forms P187A.
Identifiers: ClinVar variation 2132218 (VCV002132218.4), dbSNP rs2493410611, ClinGen allele CA378381205.

ClinVar aggregate classification (germline): Uncertain significance (1 of 4 stars; one submission).

Conditions:
Dilated cardiomyopathy 1DD (CMD1DD). Identifiers: Orphanet 154, MedGen C2750995, MONDO:0013168, OMIM 613172.

Submission:

Labcorp Genetics (formerly Invitae), Labcorp
Classification: Uncertain significance for Dilated cardiomyopathy 1DD. Last evaluated: 2022-07-07. Review status: criteria provided, single submitter. Criteria: Invitae Variant Classification Sherloc (09022015). Collection method: clinical testing. Allele origin: germline.
Comment: This sequence change replaces proline, which is neutral and non-polar, with alanine, which is neutral and non-polar, at codon 187 of the RBM20 protein (p.Pro187Ala). In summary, the available evidence is currently insufficient to determine the role of this variant in disease. Therefore, it has been classified as a Variant of Uncertain Significance. Advanced modeling of protein sequence and biophysical properties (such as structural, functional, and spatial information, amino acid conservation, physicochemical variation, residue mobility, and thermodynamic stability) performed at Invitae indicates that this missense variant is not expected to disrupt RBM20 protein function. This variant has not been reported in the literature in individuals affected with RBM20-related conditions. This variant is not present in population databases (gnomAD no frequency).